The following is an entry in ClinVar:

NM_032043.3(BRIP1):c.1797C>T (p.Ala599=)

Gene: BRIP1 (BRCA1 interacting DNA helicase 1; minus strand). Cytogenetic location: 17q23.2.
Variant type: single nucleotide variant.
Coding change: c.1797C>T on transcript NM_032043.3 (MANE Select); coding-DNA position 1797, C replaced by T.
Protein change: p.Ala599=; no amino-acid change (alanine 599 retained).
Molecular consequence: synonymous variant.
Genome position (GRCh38, 1-based): chr17:61,780,399, G>A on the plus strand (C>T on the coding strand, the complement: BRIP1 is on the minus strand). VCF-style: chr17-61780399-G-A. GRCh37 (hg19) VCF-style: chr17-59857760-G-A.
Identifiers: ClinVar variation 1083709 (VCV001083709.11), dbSNP rs771672834, ClinGen allele CA8690645.
Genomic context (GRCh38, chr17:61,780,399, plus strand): 5'-TGGTGATAATGTACCAGATGTCAAAACAATGGTCTGAACTTTGCCATTAATATCTGAAAA[G>A]GCCTAAAAGAAAACAACATTAGATAAATAAAATTATCTTTAGAAGAGGCTGGGCAAAGTG-3'
Protein context (NP_114432.2, residues 589-609): LNFWCLNPAV[Ala599=]FSDINGKVQT

ClinVar aggregate classification (germline): Benign/Likely benign. Review status: criteria provided, multiple submitters, no conflicts (2 of 4 stars). 2 submissions from 2 submitters: Benign (1); Likely benign (1). Last evaluated 2024-08-29.

Conditions:
Fanconi anemia complementation group J. Also called: BRIP1-Related Fanconi Anemia. Identifiers: Orphanet 84, MedGen C1836860, MONDO:0012187, OMIM 609054.
Familial cancer of breast. Also called: BREAST CANCER, FAMILIAL; Hereditary breast cancer; hereditary breast carcinoma. Identifiers: Orphanet 227535, MedGen C0346153, MONDO:0016419, OMIM 114480. Disease mechanism: loss of function.

Allele frequency attached by ClinVar (database versions not stated): ExAC 0.00001.

Submissions (2):

Myriad Genetics, Inc.
Classification: Benign for Familial cancer of breast. Last evaluated: 2024-08-29. Review status: criteria provided, single submitter. Criteria: Myriad Autosomal Dominant, Autosomal Recessive and X-Linked Classification Criteria (2023). Collection method: clinical testing. Allele origin: unknown.
Comment: This variant is considered benign. This variant is a silent/synonymous amino acid change and it is not expected to impact splicing.

Labcorp Genetics (formerly Invitae), Labcorp
Classification: Likely benign for Familial cancer of breast; Fanconi anemia complementation group J. Last evaluated: 2022-07-19. Review status: criteria provided, single submitter. Criteria: Invitae Variant Classification Sherloc (09022015). Collection method: clinical testing. Allele origin: germline.